The following is an entry in ClinVar:

ClinVar aggregate classification (germline): Uncertain significance (1 of 4 stars; one submission).

Conditions:
Episodic ataxia type 2 (EA2). Also called: ATAXIA, EPISODIC, WITH NYSTAGMUS; ATAXIA, FAMILIAL PAROXYSMAL; CEREBELLAR ATAXIA, PAROXYSMAL, ACETAZOLAMIDE-RESPONSIVE; CEREBELLOPATHY, HEREDITARY PAROXYSMAL; EPISODIC ATAXIA, NYSTAGMUS-ASSOCIATED; ACETAZOLAMIDE-RESPONSIVE HEREDITARY PAROXYSMAL CEREBELLAR ATAXIA. Identifiers: Orphanet 97, MedGen C1720416, MONDO:0007163, OMIM 108500.
Developmental and epileptic encephalopathy, 42 (DEE42A). Also called: DEVELOPMENTAL AND EPILEPTIC ENCEPHALOPATHY 42A; EPILEPTIC ENCEPHALOPATHY, EARLY INFANTILE, 42A; Epileptic encephalopathy, early infantile, 42. Identifiers: MedGen C4310716, MONDO:0014917, OMIM 617106.

Allele frequency attached by ClinVar (database versions not stated): gnomAD exomes 0.00001.
gnomAD v4.1: 21 of 1,537,194 alleles (0.0014%); highest among the groups gnomAD compares: Non-Finnish European, 0.0017%; no homozygotes.

Submission:

Labcorp Genetics (formerly Invitae), Labcorp
Classification: Uncertain significance for Developmental and epileptic encephalopathy, 42; Episodic ataxia type 2. Last evaluated: 2024-03-16. Review status: criteria provided, single submitter. Criteria: Invitae Variant Classification Sherloc (09022015). Collection method: clinical testing. Allele origin: germline.
Comment: This sequence change replaces lysine, which is basic and polar, with arginine, which is basic and polar, at codon 2207 of the CACNA1A protein (p.Lys2207Arg). The frequency data for this variant in the population databases is considered unreliable, as metrics indicate poor data quality at this position in the gnomAD database. This variant has not been reported in the literature in individuals affected with CACNA1A-related conditions. ClinVar contains an entry for this variant (Variation ID: 1374517). Advanced modeling of protein sequence and biophysical properties (such as structural, functional, and spatial information, amino acid conservation, physicochemical variation, residue mobility, and thermodynamic stability) performed at Invitae indicates that this missense variant is not expected to disrupt CACNA1A protein function with a negative predictive value of 95%. In summary, the available evidence is currently insufficient to determine the role of this variant in disease. Therefore, it has been classified as a Variant of Uncertain Significance.

NM_001127222.2(CACNA1A):c.6617A>G (p.Lys2206Arg)

Gene: CACNA1A (calcium voltage-gated channel subunit alpha1 A; minus strand). Cytogenetic location: 19p13.13.
Variant type: single nucleotide variant.
Coding change: c.6617A>G on transcript NM_001127222.2 (MANE Select); coding-DNA position 6617, A replaced by G.
Protein change: p.Lys2206Arg; replaces lysine 2206 with arginine.
Molecular consequence: missense variant.
Genome position (GRCh38, 1-based): chr19:13,208,919, T>C on the plus strand (A>G on the coding strand, the complement: CACNA1A is on the minus strand). VCF-style: chr19-13208919-T-C. GRCh37 (hg19) VCF-style: chr19-13319733-T-C.
Other names: c.6635A>G, p.Lys2212Arg (NM_000068.4, NM_023035.3); c.6620A>G, p.Lys2207Arg (NM_001127221.2); c.6626A>G, p.Lys2209Arg (NM_001174080.2); short protein forms K2207R, K2209R, K2206R, K2212R.
Identifiers: ClinVar variation 1374517 (VCV001374517.8), dbSNP rs1444251671, ClinGen allele CA404330513.